The following is an entry in ClinVar:

ClinVar aggregate classification (germline): Uncertain significance. Review status: criteria provided, multiple submitters, no conflicts (2 of 4 stars). 2 submissions from 2 submitters: Uncertain significance (2). Last evaluated 2025-08-03.

Allele frequency attached by ClinVar (database versions not stated): ExAC 0.00002.
gnomAD v4.1: 4 of 1,614,148 alleles (0.00025%); highest among the groups gnomAD compares: East Asian, 0.0089%; no homozygotes.

Submissions (2):

Labcorp Genetics (formerly Invitae), Labcorp
Classification: Uncertain significance. Last evaluated: 2025-08-03. Review status: criteria provided, single submitter. Criteria: Invitae Variant Classification Sherloc (09022015). Collection method: clinical testing. Allele origin: germline.
Comment: This sequence change replaces glutamic acid, which is acidic and polar, with glutamine, which is neutral and polar, at codon 380 of the CLUAP1 protein (p.Glu380Gln). This variant is present in population databases (rs774543364, gnomAD 0.03%). This variant has not been reported in the literature in individuals affected with CLUAP1-related conditions. ClinVar contains an entry for this variant (Variation ID: 1902588). Invitae Evidence Modeling of protein sequence and biophysical properties (such as structural, functional, and spatial information, amino acid conservation, physicochemical variation, residue mobility, and thermodynamic stability) indicates that this missense variant is not expected to disrupt CLUAP1 protein function with a negative predictive value of 80%. In summary, the available evidence is currently insufficient to determine the role of this variant in disease. Therefore, it has been classified as a Variant of Uncertain Significance.

Ambry Genetics
Classification: Uncertain significance. Last evaluated: 2025-05-07. Review status: criteria provided, single submitter. Criteria: Ambry Variant Classification Scheme 2023. Collection method: clinical testing. Allele origin: germline.

NM_015041.3(CLUAP1):c.1138G>C (p.Glu380Gln)

Gene: CLUAP1 (clusterin associated protein 1; plus strand). Cytogenetic location: 16p13.3.
Variant type: single nucleotide variant.
Coding change: c.1138G>C on transcript NM_015041.3 (MANE Select); coding-DNA position 1138, G replaced by C.
Protein change: p.Glu380Gln; replaces glutamic acid 380 with glutamine.
Molecular consequence: missense variant.
Genome position (GRCh38, 1-based): chr16:3,536,167, G>C. VCF-style: chr16-3536167-G-C. GRCh37 (hg19) VCF-style: chr16-3586167-G-C.
Other names: c.1195G>C, p.Glu399Gln (NM_001330454.2); c.640G>C, p.Glu214Gln (NM_024793.3); c.1138G>C (NM_015041.1); short protein forms E399Q, E380Q, E214Q.
Identifiers: ClinVar variation 1902588 (VCV001902588.6), dbSNP rs774543364, ClinGen allele CA7864054.